The following is an entry in ClinVar:

ClinVar aggregate classification (germline): Benign. Review status: criteria provided, single submitter (1 of 4 stars). 2 submissions from 1 submitter: Benign (2). Last evaluated 2018-01-12.

Conditions:
Retinitis pigmentosa (RP). Identifiers: Orphanet 791, MedGen C0035334, MeSH D012174, MONDO:0019200, OMIM 268000. Inheritance: Autosomal dominant, autosomal recessive and X linked inheritance.
Congenital stationary night blindness autosomal dominant 1. Also called: NIGHT BLINDNESS, CONGENITAL STATIONARY, RHODOPSIN-RELATED. Identifiers: Orphanet 215, MedGen C1864869, MONDO:0012498, OMIM 610445.

Allele frequency attached by ClinVar (database versions not stated): TOPMed 0.00571; 1000 Genomes Project 30x 0.01843; 1000 Genomes Project 0.02117.

Submissions (2):

Illumina Laboratory Services, Illumina
Classification: Benign for Retinitis pigmentosa. Last evaluated: 2018-01-12. Review status: criteria provided, single submitter. Criteria: ICSL Variant Classification Criteria 13 December 2019. Collection method: clinical testing. Allele origin: germline.
Comment: This variant was observed in the ICSL laboratory as part of a predisposition screen in an ostensibly healthy population. It had not been previously curated by ICSL or reported in the Human Gene Mutation Database (HGMD: prior to June 1st, 2018), and was therefore a candidate for classification through an automated scoring system. Utilizing variant allele frequency, disease prevalence and penetrance estimates, and inheritance mode, an automated score was calculated to assess if this variant is too frequent to cause the disease. Based on the score and internal cut-off values, a variant classified as benign is not then subjected to further curation. The score for this variant resulted in a classification of benign for this disease.

Illumina Laboratory Services, Illumina
Classification: Benign for Congenital stationary night blindness autosomal dominant 1. Last evaluated: 2018-01-12. Review status: criteria provided, single submitter. Criteria: ICSL Variant Classification Criteria 13 December 2019. Collection method: clinical testing. Allele origin: germline.
Comment: the same text as in the submission from Illumina Laboratory Services, Illumina above.

NM_000539.3(RHO):c.*1099G>A

Gene: RHO (rhodopsin; plus strand). Cytogenetic location: 3q22.1.
Variant type: single nucleotide variant.
Coding change: c.*1099G>A on transcript NM_000539.3 (MANE Select); 1099 bases downstream of the stop codon, G replaced by A.
Molecular consequence: 3 prime UTR variant.
Genome position (GRCh38, 1-based): chr3:129,534,817, G>A. VCF-style: chr3-129534817-G-A. GRCh37 (hg19) VCF-style: chr3-129253660-G-A.
Identifiers: ClinVar variation 343306 (VCV000343306.5), dbSNP rs3733148, ClinGen allele CA10617363.